The following is an entry in ClinVar:

NM_002427.4(MMP13):c.712G>A (p.Ala238Thr)

Gene: MMP13 (matrix metallopeptidase 13; minus strand). Cytogenetic location: 11q22.2.
Variant type: single nucleotide variant.
Coding change: c.712G>A on transcript NM_002427.4 (MANE Select); coding-DNA position 712, G replaced by A.
Protein change: p.Ala238Thr; replaces alanine 238 with threonine.
Molecular consequence: missense variant.
Genome position (GRCh38, 1-based): chr11:102,952,099, C>T on the plus strand (G>A on the coding strand, the complement: MMP13 is on the minus strand). VCF-style: chr11-102952099-C-T. GRCh37 (hg19) VCF-style: chr11-102822828-C-T.
Other names: short protein forms A238T.
Identifiers: ClinVar variation 1902112 (VCV001902112.5), dbSNP rs1860622708, ClinGen allele CA382229214.

ClinVar aggregate classification (germline): Uncertain significance (1 of 4 stars; one submission).

Allele frequency attached by ClinVar (database versions not stated): TOPMed below 0.00001; gnomAD 0.00001.
gnomAD v4.1: 1 of 1,613,192 alleles (0.000062%); highest among the groups gnomAD compares: Non-Finnish European, 0.000085%; no homozygotes.

Submission:

Labcorp Genetics (formerly Invitae), Labcorp
Classification: Uncertain significance. Last evaluated: 2022-02-11. Review status: criteria provided, single submitter. Criteria: Invitae Variant Classification Sherloc (09022015). Collection method: clinical testing. Allele origin: germline.
Comment: This sequence change replaces alanine, which is neutral and non-polar, with threonine, which is neutral and polar, at codon 238 of the MMP13 protein (p.Ala238Thr). This variant is not present in population databases (gnomAD no frequency). This variant has not been reported in the literature in individuals affected with MMP13-related conditions. Algorithms developed to predict the effect of missense changes on protein structure and function are either unavailable or do not agree on the potential impact of this missense change (SIFT: "Deleterious"; PolyPhen-2: "Probably Damaging"; Align-GVGD: "Class C0"). In summary, the available evidence is currently insufficient to determine the role of this variant in disease. Therefore, it has been classified as a Variant of Uncertain Significance.